The following is an entry in ClinVar:

NM_001267550.2(TTN):c.7499A>G (p.Gln2500Arg)

Gene: TTN (titin; minus strand). Cytogenetic location: 2q31.2.
Variant type: single nucleotide variant.
Coding change: c.7499A>G on transcript NM_001267550.2 (MANE Select); coding-DNA position 7499, A replaced by G.
Protein change: p.Gln2500Arg; replaces glutamine 2500 with arginine.
Molecular consequence: missense variant.
Genome position (GRCh38, 1-based): chr2:178,773,557, T>C on the plus strand (A>G on the coding strand, the complement: TTN is on the minus strand). VCF-style: chr2-178773557-T-C. GRCh37 (hg19) VCF-style: chr2-179638284-T-C.
Other names: c.7499A>G, p.Gln2500Arg (NM_001256850.1, NM_133378.4, NM_133379.5); c.7361A>G, p.Gln2454Arg (NM_003319.4, NM_133432.3, NM_133437.4); short protein forms Q2454R, Q2500R.
Identifiers: ClinVar variation 1758516 (VCV001758516.2), dbSNP rs1417536595, ClinGen allele CA349680102.

ClinVar aggregate classification (germline): Uncertain significance (1 of 4 stars; one submission).

Conditions:
Cardiovascular phenotype. Identifiers: MedGen CN230736.

Allele frequency attached by ClinVar (database versions not stated): gnomAD exomes below 0.00001.
gnomAD v4.1: 1 of 1,614,100 alleles (0.000062%); highest among the groups gnomAD compares: African/African-American, 0.0013%; no homozygotes.

Submission:

Ambry Genetics
Classification: Uncertain significance for Cardiovascular phenotype. Last evaluated: 2019-09-03. Review status: criteria provided, single submitter. Criteria: Ambry Variant Classification Scheme 2023. Collection method: clinical testing. Allele origin: germline.
Comment: The p.Q2454R variant (also known as c.7361A>G), located in coding exon 30 of the TTN gene, results from an A to G substitution at nucleotide position 7361. The glutamine at codon 2454 is replaced by arginine, an amino acid with highly similar properties. This amino acid position is highly conserved in available vertebrate species. In addition, this alteration is predicted to be tolerated by in silico analysis. Since supporting evidence is limited at this time, the clinical significance of this alteration remains unclear.